The following is an entry in ClinVar:

ClinVar aggregate classification (germline): Uncertain significance (1 of 4 stars; one submission).

Conditions:
Charcot-Marie-Tooth disease type 2. Also called: Charcot-Marie-Tooth type 2. Identifiers: Orphanet 64746, MedGen C0270914, MONDO:0018993.

Submission:

Labcorp Genetics (formerly Invitae), Labcorp
Classification: Uncertain significance for Charcot-Marie-Tooth disease type 2. Last evaluated: 2024-10-28. Review status: criteria provided, single submitter. Criteria: Invitae Variant Classification Sherloc (09022015). Collection method: clinical testing. Allele origin: germline.
Comment: This sequence change replaces proline, which is neutral and non-polar, with serine, which is neutral and polar, at codon 710 of the AARS protein (p.Pro710Ser). This variant is not present in population databases (gnomAD no frequency). This variant has not been reported in the literature in individuals affected with AARS-related conditions. An algorithm developed to predict the effect of missense changes on protein structure and function (PolyPhen-2) suggests that this variant is likely to be disruptive. In summary, the available evidence is currently insufficient to determine the role of this variant in disease. Therefore, it has been classified as a Variant of Uncertain Significance.

NM_001605.3(AARS1):c.2128C>T (p.Pro710Ser)

Gene: AARS1 (alanyl-tRNA synthetase 1; minus strand). Cytogenetic location: 16q22.1.
Variant type: single nucleotide variant.
Coding change: c.2128C>T on transcript NM_001605.3 (MANE Select); coding-DNA position 2128, C replaced by T.
Protein change: p.Pro710Ser; replaces proline 710 with serine.
Molecular consequence: missense variant.
Genome position (GRCh38, 1-based): chr16:70,258,082, G>A on the plus strand (C>T on the coding strand, the complement: AARS1 is on the minus strand). VCF-style: chr16-70258082-G-A. GRCh37 (hg19) VCF-style: chr16-70291985-G-A.
Other names: short protein forms P710S.
Identifiers: ClinVar variation 3723923 (VCV003723923.2).
Genomic context (GRCh38, chr16:70,258,082, plus strand): 5'-GCAGTACTCACGTTCCCCCACAGAACTCAACAGAAGTCAGGGAGCCAGCAGGCCCAGAGG[G>A]GTCATCCAGCAACTCGGACACCGGGACCCCAATGGAGACGACTCGCACAGGGTCAGGATA-3'
Protein context (NP_001596.2, residues 700-720): GVPVSELLDD[Pro710Ser]SGPAGSLTSV